The following is an entry in ClinVar:

ClinVar aggregate classification (germline): Pathogenic (1 of 4 stars; one submission).

Submission:

Labcorp Genetics (formerly Invitae), Labcorp
Classification: Pathogenic. Last evaluated: 2023-04-06. Review status: criteria provided, single submitter. Criteria: Invitae Variant Classification Sherloc (09022015). Collection method: clinical testing. Allele origin: unknown.
Comment: For these reasons, this variant has been classified as Pathogenic. This variant has not been reported in the literature in individuals affected with ITGB4-related conditions. This variant is a gross deletion of the genomic region encompassing exon(s) 3-6 of the ITGB4 gene. This deletion is out-of-frame, and is expected to create a premature termination codon and result in an absent or disrupted protein product. Loss-of-function variants in ITGB4 are known to be pathogenic (PMID: 11328943, 16473856).

Literature cited by the submitters: PubMed 11328943; PubMed 16473856.

NC_000017.10:g.(?_73723255)_(73724574_?)del

Gene: ITGB4 (integrin subunit beta 4; plus strand). Cytogenetic location: 17q25.1.
Variant type: Deletion.
Identifiers: ClinVar variation 3243130 (VCV003243130.1).